The following is an entry in ClinVar:

NM_031935.3(HMCN1):c.10010A>G (p.Tyr3337Cys)

Gene: HMCN1 (hemicentin 1; plus strand). Cytogenetic location: 1q31.1.
Variant type: single nucleotide variant.
Coding change: c.10010A>G on transcript NM_031935.3 (MANE Select); coding-DNA position 10010, A replaced by G.
Protein change: p.Tyr3337Cys; replaces tyrosine 3337 with cysteine.
Molecular consequence: missense variant.
Genome position (GRCh38, 1-based): chr1:186,093,256, A>G. VCF-style: chr1-186093256-A-G. GRCh37 (hg19) VCF-style: chr1-186062388-A-G.
Other names: short protein forms Y3337C.
Identifiers: ClinVar variation 2106064 (VCV002106064.4), dbSNP rs1455722145, ClinGen allele CA343926282.

ClinVar aggregate classification (germline): Uncertain significance (1 of 4 stars; one submission).

Allele frequency attached by ClinVar (database versions not stated): gnomAD exomes 0.00001.
gnomAD v4.1: 9 of 1,613,300 alleles (0.00056%); highest among the groups gnomAD compares: South Asian, 0.0011%; no homozygotes.

Submission:

Labcorp Genetics (formerly Invitae), Labcorp
Classification: Uncertain significance. Last evaluated: 2022-05-30. Review status: criteria provided, single submitter. Criteria: Invitae Variant Classification Sherloc (09022015). Collection method: clinical testing. Allele origin: germline.
Comment: This variant is not present in population databases (gnomAD no frequency). This sequence change replaces tyrosine, which is neutral and polar, with cysteine, which is neutral and slightly polar, at codon 3337 of the HMCN1 protein (p.Tyr3337Cys). This variant has not been reported in the literature in individuals affected with HMCN1-related conditions. Algorithms developed to predict the effect of missense changes on protein structure and function (SIFT, PolyPhen-2, Align-GVGD) all suggest that this variant is likely to be disruptive. In summary, the available evidence is currently insufficient to determine the role of this variant in disease. Therefore, it has been classified as a Variant of Uncertain Significance.